The following is an entry in ClinVar:

ClinVar aggregate classification (germline): Uncertain significance. Review status: criteria provided, multiple submitters, no conflicts (2 of 4 stars). 2 submissions from 2 submitters: Uncertain significance (2). Last evaluated 2025-08-19.

Conditions:
Inborn genetic diseases. Identifiers: MedGen C0950123, MeSH D030342.
Joubert syndrome. Also called: CEREBELLOPARENCHYMAL DISORDER IV; JOUBERT-BOLTSHAUSER SYNDROME; Familial aplasia of the vermis. Identifiers: Orphanet 475, MedGen C5979921, MONDO:0018772.
Meckel-Gruber syndrome. Also called: DYSENCEPHALIA SPLANCHNOCYSTICA; GRUBER SYNDROME; Dysencephalia splachnocystica. Identifiers: Orphanet 564, MedGen C0265215, MONDO:0018921.

Allele frequency attached by ClinVar (database versions not stated): gnomAD exomes below 0.00001; TOPMed below 0.00001.
gnomAD v4.1: 7 of 1,614,172 alleles (0.00043%); highest among the groups gnomAD compares: South Asian, 0.0011%; no homozygotes.

Submissions (2):

Ambry Genetics
Classification: Uncertain significance for Inborn genetic diseases. Last evaluated: 2025-08-19. Review status: criteria provided, single submitter. Criteria: Ambry Variant Classification Scheme 2023. Collection method: clinical testing. Allele origin: germline.

Labcorp Genetics (formerly Invitae), Labcorp
Classification: Uncertain significance for Joubert syndrome; Meckel-Gruber syndrome. Last evaluated: 2022-02-15. Review status: criteria provided, single submitter. Criteria: Invitae Variant Classification Sherloc (09022015). Collection method: clinical testing. Allele origin: germline.
Comment: This sequence change replaces tyrosine, which is neutral and polar, with histidine, which is basic and polar, at codon 855 of the RPGRIP1L protein (p.Tyr855His). This variant is not present in population databases (gnomAD no frequency). This variant has not been reported in the literature in individuals affected with RPGRIP1L-related conditions. Algorithms developed to predict the effect of missense changes on protein structure and function are either unavailable or do not agree on the potential impact of this missense change (SIFT: "Deleterious"; PolyPhen-2: "Probably Damaging"; Align-GVGD: "Class C0"). In summary, the available evidence is currently insufficient to determine the role of this variant in disease. Therefore, it has been classified as a Variant of Uncertain Significance.

NM_015272.5(RPGRIP1L):c.2563T>C (p.Tyr855His)

Gene: RPGRIP1L (RPGRIP1 like; minus strand). Cytogenetic location: 16q12.2.
Variant type: single nucleotide variant.
Coding change: c.2563T>C on transcript NM_015272.5 (MANE Select); coding-DNA position 2563, T replaced by C.
Protein change: p.Tyr855His; replaces tyrosine 855 with histidine.
Molecular consequence: missense variant.
Genome position (GRCh38, 1-based): chr16:53,645,745, A>G on the plus strand (T>C on the coding strand, the complement: RPGRIP1L is on the minus strand). VCF-style: chr16-53645745-A-G. GRCh37 (hg19) VCF-style: chr16-53679657-A-G.
Other names: c.2563T>C (NM_015272.2); c.2563T>C, p.Tyr855His (NM_001127897.4, NM_001308334.3, NM_001330538.2); short protein forms Y855H.
Identifiers: ClinVar variation 2139670 (VCV002139670.2), dbSNP rs1290419108, ClinGen allele CA395914333.
Genomic context (GRCh38, chr16:53,645,745, plus strand): 5'-TATTCTCCTGGGTATCACTATCATCAAAAACATAAAAACTCAGAGACTCTGACTTAAGGT[A>G]TCGATCCAAGTCCATATTCATTGGCACTGGGAAATACATATGATCATCAAACTGTGGATC-3'
Protein context (NP_056087.2, residues 845-865): PVPMNMDLDR[Tyr855His]LKSESLSFYV